The following is an entry in ClinVar:

ClinVar aggregate classification (germline): Uncertain significance. Review status: criteria provided, multiple submitters, no conflicts (2 of 4 stars). 2 submissions from 2 submitters: Uncertain significance (2). Last evaluated 2024-02-21.

Allele frequency attached by ClinVar (database versions not stated): gnomAD exomes below 0.00001; gnomAD 0.00002; TOPMed 0.00004.
gnomAD v4.1: 5 of 1,614,110 alleles (0.00031%); highest among the groups gnomAD compares: Admixed American, 0.0083%; no homozygotes.

Submissions (2):

Ambry Genetics
Classification: Uncertain significance. Last evaluated: 2024-02-21. Review status: criteria provided, single submitter. Criteria: Ambry Variant Classification Scheme 2023. Collection method: clinical testing. Allele origin: germline.

Labcorp Genetics (formerly Invitae), Labcorp
Classification: Uncertain significance. Last evaluated: 2023-08-04. Review status: criteria provided, single submitter. Criteria: Invitae Variant Classification Sherloc (09022015). Collection method: clinical testing. Allele origin: germline.
Comment: This sequence change replaces glutamic acid, which is acidic and polar, with aspartic acid, which is acidic and polar, at codon 466 of the NIN protein (p.Glu466Asp). This variant is not present in population databases (gnomAD no frequency). This variant has not been reported in the literature in individuals affected with NIN-related conditions. An algorithm developed to predict the effect of missense changes on protein structure and function (PolyPhen-2) suggests that this variant is likely to be disruptive. In summary, the available evidence is currently insufficient to determine the role of this variant in disease. Therefore, it has been classified as a Variant of Uncertain Significance.

NM_020921.4(NIN):c.1398G>C (p.Glu466Asp)

Gene: NIN (ninein; minus strand). Cytogenetic location: 14q22.1.
Variant type: single nucleotide variant.
Coding change: c.1398G>C on transcript NM_020921.4 (MANE Select); coding-DNA position 1398, G replaced by C.
Protein change: p.Glu466Asp; replaces glutamic acid 466 with aspartic acid.
Molecular consequence: missense variant.
Genome position (GRCh38, 1-based): chr14:50,770,424, C>G on the plus strand (G>C on the coding strand, the complement: NIN is on the minus strand). VCF-style: chr14-50770424-C-G. GRCh37 (hg19) VCF-style: chr14-51237142-C-G.
Other names: c.1398G>C, p.Glu466Asp (NM_016350.5, NM_182944.3, NM_182946.2); c.1398G>C (NM_020921.3); short protein forms E466D.
Identifiers: ClinVar variation 2886611 (VCV002886611.4), dbSNP rs1391614334, ClinGen allele CA389665363.